The following is an entry in ClinVar:

ClinVar aggregate classification (germline): Uncertain significance. Review status: criteria provided, multiple submitters, no conflicts (2 of 4 stars). 2 submissions from 2 submitters: Uncertain significance (2). Last evaluated 2024-04-16.

Conditions:
Joubert syndrome. Also called: CEREBELLOPARENCHYMAL DISORDER IV; JOUBERT-BOLTSHAUSER SYNDROME; Familial aplasia of the vermis. Identifiers: Orphanet 475, MedGen C5979921, MONDO:0018772.
Meckel-Gruber syndrome. Also called: DYSENCEPHALIA SPLANCHNOCYSTICA; GRUBER SYNDROME; Dysencephalia splachnocystica. Identifiers: Orphanet 564, MedGen C0265215, MONDO:0018921.
Joubert syndrome 24 (JBTS24). Identifiers: Orphanet 475, MedGen C4084841, MONDO:0014724, OMIM 616654.
Meckel syndrome, type 8. Identifiers: Orphanet 564, MedGen C3836857, MONDO:0013482, OMIM 613885.

Allele frequency attached by ClinVar (database versions not stated): ExAC 0.00001; gnomAD 0.00001; TOPMed 0.00002; ESP Exome Variant Server 0.00008.
gnomAD v4.1: 1 of 1,611,694 alleles (0.000062%); highest among the groups gnomAD compares: African/African-American, 0.0013%; no homozygotes.

Submissions (2):

Fulgent Genetics
Classification: Uncertain significance for Meckel syndrome, type 8; Joubert syndrome 24. Last evaluated: 2024-04-16. Review status: criteria provided, single submitter. Criteria: ACMG Guidelines, 2015. Collection method: clinical testing. Allele origin: germline.

Labcorp Genetics (formerly Invitae), Labcorp
Classification: Uncertain significance for Joubert syndrome; Meckel-Gruber syndrome. Last evaluated: 2021-03-10. Review status: criteria provided, single submitter. Criteria: Invitae Variant Classification Sherloc (09022015). Collection method: clinical testing. Allele origin: germline.
Comment: In summary, the available evidence is currently insufficient to determine the role of this variant in disease. Therefore, it has been classified as a Variant of Uncertain Significance. Algorithms developed to predict the effect of missense changes on protein structure and function output the following: SIFT: "Tolerated"; PolyPhen-2: "Benign"; Align-GVGD: "Class C0". The alanine amino acid residue is found in multiple mammalian species, suggesting that this missense change does not adversely affect protein function. These predictions have not been confirmed by published functional studies and their clinical significance is uncertain. This variant has not been reported in the literature in individuals with TCTN2-related conditions. This variant is present in population databases (rs376100033, ExAC 0.01%). This sequence change replaces glutamic acid with alanine at codon 62 of the TCTN2 protein (p.Glu62Ala). The glutamic acid residue is moderately conserved and there is a moderate physicochemical difference between glutamic acid and alanine.

NM_024809.5(TCTN2):c.185A>C (p.Glu62Ala)

Gene: TCTN2 (tectonic family member 2; plus strand). Cytogenetic location: 12q24.31.
Variant type: single nucleotide variant.
Coding change: c.185A>C on transcript NM_024809.5 (MANE Select); coding-DNA position 185, A replaced by C.
Protein change: p.Glu62Ala; replaces glutamic acid 62 with alanine.
Molecular consequence: missense variant.
Genome position (GRCh38, 1-based): chr12:123,671,609, A>C. VCF-style: chr12-123671609-A-C. GRCh37 (hg19) VCF-style: chr12-124156156-A-C.
Other names: c.185A>C, p.Glu62Ala (NM_001143850.3); short protein forms E62A.
Identifiers: ClinVar variation 1377841 (VCV001377841.7), dbSNP rs376100033, ClinGen allele CA6860800.